The following is an entry in ClinVar:

NM_032656.4(DHX37):c.1927A>T (p.Lys643Ter)

Gene: DHX37 (DEAH-box helicase 37; minus strand). Cytogenetic location: 12q24.31.
Variant type: single nucleotide variant.
Coding change: c.1927A>T on transcript NM_032656.4 (MANE Select); coding-DNA position 1927, A replaced by T.
Protein change: p.Lys643Ter; replaces lysine 643 with a stop codon.
Molecular consequence: nonsense.
Genome position (GRCh38, 1-based): chr12:124,964,512, T>A on the plus strand (A>T on the coding strand, the complement: DHX37 is on the minus strand). VCF-style: chr12-124964512-T-A. GRCh37 (hg19) VCF-style: chr12-125449058-T-A.
Other names: short protein forms K643*.
Identifiers: ClinVar variation 4975373 (VCV004975373.1).

ClinVar aggregate classification (germline): Uncertain significance (1 of 4 stars; one submission).

Submission:

GeneDx
Classification: Uncertain significance. Last evaluated: 2026-01-22. Review status: criteria provided, single submitter. Criteria: GeneDx Variant Classification Process June 2021. Collection method: clinical testing. Allele origin: germline.
Comment: Not observed at significant frequency in large population cohorts (gnomAD); Nonsense variant predicted to result in protein truncation or nonsense mediated decay in a gene or region of a gene for which loss of function is not a well-established mechanism of disease; Has not been previously published as pathogenic or benign to our knowledge